The following is an entry in ClinVar:

ClinVar aggregate classification (germline): Uncertain significance. Review status: criteria provided, multiple submitters, no conflicts (2 of 4 stars). 3 submissions from 3 submitters: Uncertain significance (3). Last evaluated 2023-10-06.

Allele frequency attached by ClinVar (database versions not stated): gnomAD exomes below 0.00001; gnomAD 0.00001; TOPMed 0.00002.
gnomAD v4.1: 15 of 1,613,542 alleles (0.00093%); highest among the groups gnomAD compares: Non-Finnish European, 0.0013%; no homozygotes.

Submissions (3):

GeneDx
Classification: Uncertain significance. Last evaluated: 2023-10-06. Review status: criteria provided, single submitter. Criteria: GeneDx Variant Classification Process June 2021. Collection method: clinical testing. Allele origin: germline. Affected: yes.
Comment: Not observed at significant frequency in large population cohorts (gnomAD); Missense variant in a gene in which most reported pathogenic variants are truncating/loss of function; Has not been previously published as pathogenic or benign to our knowledge

Revvity Omics, Revvity
Classification: Uncertain significance. Last evaluated: 2019-05-14. Review status: criteria provided, single submitter. Criteria: ACMG Guidelines, 2015. Collection method: clinical testing. Allele origin: germline.

Eurofins Ntd Llc (ga)
Classification: Uncertain significance. Last evaluated: 2016-12-30. Review status: criteria provided, single submitter. Criteria: EGL Classification Definitions 2015. Collection method: clinical testing. Allele origin: germline. Observed: 1 variant allele, 1 heterozygote.

NM_001267550.2(TTN):c.92880C>A (p.Ser30960Arg)

Genes: TTN-AS1 (TTN antisense RNA 1; plus strand), TTN (titin; minus strand). Cytogenetic location: 2q31.2.
Variant type: single nucleotide variant.
Coding change: c.92880C>A on transcript NM_001267550.2 (MANE Select); coding-DNA position 92880, C replaced by A.
Protein change: p.Ser30960Arg; replaces serine 30960 with arginine.
Molecular consequence: missense variant.
Genome position (GRCh38, 1-based): chr2:178,548,746, G>T on the plus strand (C>A on the coding strand, the complement: TTN is on the minus strand). VCF-style: chr2-178548746-G-T. GRCh37 (hg19) VCF-style: chr2-179413473-G-T.
Other names: c.87957C>A, p.Ser29319Arg (NM_001256850.1); c.65685C>A, p.Ser21895Arg (NM_003319.4); c.85176C>A, p.Ser28392Arg (NM_133378.4); c.66060C>A, p.Ser22020Arg (NM_133432.3); c.66261C>A, p.Ser22087Arg (NM_133437.4); c.92880C>A (NM_001267550.1); short protein forms S28392R, S30960R, S21895R, S22020R, S29319R, S22087R.
Identifiers: ClinVar variation 499094 (VCV000499094.9), dbSNP rs968631165, ClinGen allele CA60974213.